The following is an entry in ClinVar:

NM_016648.4(LARP7):c.1147G>A (p.Glu383Lys)

Genes: LARP7 (La ribonucleoprotein 7, transcriptional regulator; plus strand), MIR302CHG (miR-302/367 cluster host gene; minus strand). Cytogenetic location: 4q25.
Variant type: single nucleotide variant.
Coding change: c.1147G>A on transcript NM_016648.4 (MANE Select); coding-DNA position 1147, G replaced by A.
Protein change: p.Glu383Lys; replaces glutamic acid 383 with lysine.
Molecular consequence: missense variant.
Genome position (GRCh38, 1-based): chr4:112,649,539, G>A. VCF-style: chr4-112649539-G-A. GRCh37 (hg19) VCF-style: chr4-113570695-G-A.
Other names: c.1147G>A, p.Glu383Lys (NM_001267039.4, NM_001370978.1, NM_015454.3); c.1186G>A, p.Glu396Lys (NM_001370974.1, NM_001370975.1); c.1183G>A, p.Glu395Lys (NM_001370976.1, NM_001370977.1); c.1144G>A, p.Glu382Lys (NM_001370979.1, NM_001370980.1); c.910G>A, p.Glu304Lys (NM_001370981.1, NM_001370982.1); short protein forms E304K, E382K, E395K, E396K, E383K.
Identifiers: ClinVar variation 1442206 (VCV001442206.3), dbSNP rs145790898, ClinGen allele CA3049618.

ClinVar aggregate classification (germline): Uncertain significance (1 of 4 stars; one submission).

Allele frequency attached by ClinVar (database versions not stated): gnomAD exomes 0.00004 and 0.00009; gnomAD 0.00019 and 0.00020; ExAC 0.00023; TOPMed 0.00029; ESP Exome Variant Server 0.00046.

Submission:

Labcorp Genetics (formerly Invitae), Labcorp
Classification: Uncertain significance. Last evaluated: 2022-08-31. Review status: criteria provided, single submitter. Criteria: Invitae Variant Classification Sherloc (09022015). Collection method: clinical testing. Allele origin: germline.
Comment: This sequence change replaces glutamic acid, which is acidic and polar, with lysine, which is basic and polar, at codon 383 of the LARP7 protein (p.Glu383Lys). This variant is present in population databases (rs145790898, gnomAD 0.1%). This variant has not been reported in the literature in individuals affected with LARP7-related conditions. ClinVar contains an entry for this variant (Variation ID: 1442206). Algorithms developed to predict the effect of missense changes on protein structure and function (SIFT, PolyPhen-2, Align-GVGD) all suggest that this variant is likely to be tolerated. In summary, the available evidence is currently insufficient to determine the role of this variant in disease. Therefore, it has been classified as a Variant of Uncertain Significance.